The following is an entry in ClinVar:

NM_000051.4(ATM):c.6024C>A (p.Ile2008=)

Genes: ATM (ATM serine/threonine kinase; plus strand), C11orf65 (chromosome 11 open reading frame 65; minus strand). Cytogenetic location: 11q22.3.
Variant type: single nucleotide variant.
Coding change: c.6024C>A on transcript NM_000051.4 (MANE Select); coding-DNA position 6024, C replaced by A.
Protein change: p.Ile2008=; no amino-acid change (isoleucine 2008 retained).
Molecular consequence: synonymous variant. On other transcripts: intron variant (2).
Genome position (GRCh38, 1-based): chr11:108,315,840, C>A. VCF-style: chr11-108315840-C-A. GRCh37 (hg19) VCF-style: chr11-108186567-C-A.
Other names: c.6024C>A, p.Ile2008= (NM_001351834.2); c.641-6769G>T (NM_001330368.2); c.*39-6769G>T (NM_001351110.2).
Identifiers: ClinVar variation 3254332 (VCV003254332.2), dbSNP rs2136118296.

ClinVar aggregate classification (germline): Benign/Likely benign. Review status: criteria provided, multiple submitters, no conflicts (2 of 4 stars). 2 submissions from 2 submitters: Benign (1); Likely benign (1). Last evaluated 2026-04-11.

Conditions:
Familial cancer of breast. Also called: hereditary breast carcinoma; BREAST CANCER, FAMILIAL; Hereditary breast cancer. Identifiers: Orphanet 227535, MedGen C0346153, MONDO:0016419, OMIM 114480. Disease mechanism: loss of function.
Hereditary cancer-predisposing syndrome. Also called: Neoplastic Syndromes, Hereditary; Tumor predisposition; Hereditary Cancer Syndrome; Hereditary neoplastic syndrome. Identifiers: Orphanet 140162, MedGen C0027672, MeSH D009386, MONDO:0015356.

Submissions (2):

Ambry Genetics
Classification: Likely benign for Hereditary cancer-predisposing syndrome. Last evaluated: 2026-04-11. Review status: criteria provided, single submitter. Criteria: Ambry Variant Classification Scheme 2023. Collection method: clinical testing. Allele origin: germline.

Myriad Genetics, Inc.
Classification: Benign for Familial cancer of breast. Last evaluated: 2024-05-30. Review status: criteria provided, single submitter. Criteria: Myriad Autosomal Dominant, Autosomal Recessive and X-Linked Classification Criteria (2023). Collection method: clinical testing. Allele origin: unknown.
Comment: This variant is considered benign. This variant is a silent/synonymous amino acid change and it is not expected to impact splicing.